The following is an entry in ClinVar:

NM_001386298.1(CIC):c.572G>A (p.Gly191Asp)

Gene: CIC (capicua transcriptional repressor; plus strand). Cytogenetic location: 19q13.2.
Variant type: single nucleotide variant.
Coding change: c.572G>A on transcript NM_001386298.1 (MANE Select); coding-DNA position 572, G replaced by A.
Protein change: p.Gly191Asp; replaces glycine 191 with aspartic acid.
Molecular consequence: missense variant.
Genome position (GRCh38, 1-based): chr19:42,272,355, G>A. VCF-style: chr19-42272355-G-A. GRCh37 (hg19) VCF-style: chr19-42776507-G-A.
Other names: c.572G>A, p.Gly191Asp (NM_001304815.2, NM_001379480.1, NM_001379482.1); c.572G>A (NM_001304815.1); short protein forms G191D.
Identifiers: ClinVar variation 1335347 (VCV001335347.39), dbSNP rs564911507, ClinGen allele CA308614618.
Genomic context (GRCh38, chr19:42,272,355, plus strand): 5'-ACTCGGCGGACCTGGAGGATGAGCCGGCTGAGGCTTGTGGTCCAGGCCCTTGGCCCCCTG[G>A]CAGCACCAGTGGCAGCTATGACCTGCGGCAGCTGCGGTCCCAGCGGGTGCTGGCTCGGCG-3'
Protein context (NP_001373227.1, residues 181-201): EACGPGPWPP[Gly191Asp]STSGSYDLRQ

ClinVar aggregate classification (germline): Conflicting classifications of pathogenicity. Review status: criteria provided, conflicting classifications (1 of 4 stars). 5 submissions from 5 submitters: Uncertain significance (3); Likely benign (1). 1 of the submissions does not count toward it. Last evaluated 2023-07-01.

Conditions:
CIC-related disorder. Also called: CIC-related condition.
Intellectual developmental disorder, autosomal dominant 45. Also called: MENTAL RETARDATION, AUTOSOMAL DOMINANT 45; Intellectual disability, autosomal dominant 45. Identifiers: MedGen C4539848, MONDO:0030910, OMIM 617600.

Allele frequency attached by ClinVar (database versions not stated): gnomAD 0.00011 and 0.00012; 1000 Genomes Project 30x 0.00016; TOPMed 0.00017; 1000 Genomes Project 0.00020; gnomAD exomes 0.00027.

Submissions (5):

CeGaT Center for Human Genetics Tuebingen
Classification: Likely benign. Last evaluated: 2023-07-01. Review status: criteria provided, single submitter. Criteria: CeGaT Center For Human Genetics Tuebingen Variant Classification Criteria Version 2. Collection method: clinical testing. Allele origin: germline. Affected: yes. Observed: 2 variant alleles.
Comment: CIC: BS1

Laboratorio de Genetica e Diagnostico Molecular, Hospital Israelita Albert Einstein
Classification: Uncertain significance. Last evaluated: 2020-02-27. Review status: criteria provided, single submitter. Criteria: ACMG Guidelines, 2015. Collection method: clinical testing. Allele origin: germline. Affected: yes.
Comment: ACMG classification criteria: PM2

Breakthrough Genomics
Classification: Uncertain significance. Review status: criteria provided, single submitter. Criteria: ACMG Guidelines, 2015. Collection method: not provided. Allele origin: germline. Inheritance: Autosomal dominant inheritance. Affected: yes.

Neuberg Centre For Genomic Medicine, NCGM
Classification: Uncertain significance for Intellectual developmental disorder, autosomal dominant 45. Review status: criteria provided, single submitter. Criteria: ACMG Guidelines, 2015. Collection method: clinical testing. Allele origin: germline. Inheritance: Autosomal dominant inheritance. Affected: yes.
Comment: The missense variant c.572G>A(p.Gly191Asp) in CIC gene has not been reported previously as a pathogenic variant nor as a benign variant, to our knowledge. The observed variant has been reported with allele frequency of 0.006% in gnomAD database. This variant has been reported to the ClinVar database as Uncertain Significance by multiple submitters. The amino acid change p.Gly191Asp in CIC is predicted as conserved by GERP++ and PhyloP across 100 vertebrates. The amino acid Gly at position 191 is changed to a Asp changing protein sequence and it might alter its composition and physico-chemical properties. For these reasons, this variant has been classified as Uncertain Significance (VUS).

PreventionGenetics, part of Exact Sciences
Classification: Likely benign for CIC-related condition. Last evaluated: 2023-12-07. Review status: no assertion criteria provided. Collection method: clinical testing. Allele origin: germline. Not counted in ClinVar's aggregate classification.
Comment: This variant is classified as likely benign based on ACMG/AMP sequence variant interpretation guidelines (Richards et al. 2015 PMID: 25741868, with internal and published modifications).